The following is an entry in ClinVar:

ClinVar aggregate classification (germline): Likely pathogenic. Review status: criteria provided, single submitter (1 of 4 stars). 2 submissions from 2 submitters: Likely pathogenic (1). 1 of the submissions does not count toward it. Last evaluated 2023-07-06.

Conditions:
Tay-Sachs disease (TSD). Also called: HEXA DEFICIENCY; Hexosaminidase A Deficiency; HEXA Disorders; GM2 gangliosidosis, type 1; Hexosaminidase alpha-subunit deficiency (variant B); Sphingolipidosis, Tay-Sachs. Identifiers: Orphanet 845, MedGen C0039373, MONDO:0010100, OMIM 272800.

gnomAD v4.1: 2 of 1,613,180 alleles (0.00012%); highest among the groups gnomAD compares: Admixed American, 0.0017%; no homozygotes.

Submissions (2):

Quest Diagnostics Nichols Institute San Juan Capistrano
Classification: Likely pathogenic. Last evaluated: 2023-07-06. Review status: criteria provided, single submitter. Criteria: Quest Diagnostics criteria. Collection method: clinical testing. Allele origin: unknown.
Comment: In the published literature, this variant has been reported in an individual with Tay-Sachs disease (PMID: 1833974 (1991)). A structural analysis study predicts this variant causes a significant change in the active site pocket structure (PMID: 18490185 (2008)). The frequency of this variant in the general population, 0.0000066 (1/152090 chromosomes (Genome Aggregation Database)), is uninformative in the assessment of its pathogenicity. Analysis of this variant using bioinformatics tools for the prediction of the effect of amino acid changes on protein structure and function yielded predictions that this variant is damaging. Based on the available information, this variant is classified as likely pathogenic.

OMIM
Classification: Pathogenic for TAY-SACHS DISEASE. Last evaluated: 1991-11-01. Review status: no assertion criteria provided. Collection method: literature only. Allele origin: germline. Not counted in ClinVar's aggregate classification.

Literature cited by the submitters: PubMed 18490185 (cited by Quest Diagnostics Nichols Institute San Juan Capistrano); PubMed 25525159 (cited by Quest Diagnostics Nichols Institute San Juan Capistrano); PubMed 1833974 (cited by Quest Diagnostics Nichols Institute San Juan Capistrano and OMIM).

NM_000520.6(HEXA):c.533G>T (p.Arg178Leu)

Gene: HEXA (hexosaminidase subunit alpha; minus strand). Cytogenetic location: 15q23.
Variant type: single nucleotide variant.
Coding change: c.533G>T on transcript NM_000520.6 (MANE Select); coding-DNA position 533, G replaced by T.
Protein change: p.Arg178Leu; replaces arginine 178 with leucine.
Molecular consequence: missense variant. On other transcripts: non-coding transcript variant (1).
Genome position (GRCh38, 1-based): chr15:72,353,105, C>A on the plus strand (G>T on the coding strand, the complement: HEXA is on the minus strand). VCF-style: chr15-72353105-C-A. GRCh37 (hg19) VCF-style: chr15-72645446-C-A.
Other names: c.566G>T, p.Arg189Leu (NM_001318825.2); c.533G>T (NM_000520.4); short protein forms R178L, R189L.
Identifiers: ClinVar variation 3912 (VCV000003912.173), dbSNP rs28941770, ClinGen allele CA252921.
Genomic context (GRCh38, chr15:72,353,105, plus strand): 5'-AGAAGGCCTTAAGGCCTGGTTACCAGAGTGTCCAGGATGCTAGAGAGTGGCAGGTAATGG[C>A]GAGATGTATCCAACAGCAAGCCCCGGTGAGGAAAGCGGGGAAAGTCCTCAATCTCAGTCT-3'
Protein context (NP_000511.2, residues 168-188): PHRGLLLDTS[Arg178Leu]HYLPLSSILD